The following is an entry in ClinVar:

ClinVar aggregate classification (germline): Uncertain significance. Review status: criteria provided, multiple submitters, no conflicts (2 of 4 stars). 2 submissions from 2 submitters: Uncertain significance (2). Last evaluated 2025-06-07.

Conditions:
Hereditary cancer-predisposing syndrome. Also called: Neoplastic Syndromes, Hereditary; Tumor predisposition; Hereditary Cancer Syndrome; Hereditary neoplastic syndrome. Identifiers: Orphanet 140162, MedGen C0027672, MeSH D009386, MONDO:0015356.
Gastrointestinal stromal tumor. Also called: Gastrointestinal stromal tumor, somatic; Gastrointestinal stroma tumor. Identifiers: Orphanet 44890, MedGen C0238198, MeSH D046152, MONDO:0011719, OMIM 606764, HP:0100723.

Submissions (2):

Ambry Genetics
Classification: Uncertain significance for Hereditary cancer-predisposing syndrome. Last evaluated: 2025-06-07. Review status: criteria provided, single submitter. Criteria: Ambry Variant Classification Scheme 2023. Collection method: clinical testing. Allele origin: germline.
Comment: The p.R690T variant (also known as c.2069G>C), located in coding exon 14 of the PDGFRA gene, results from a G to C substitution at nucleotide position 2069. The arginine at codon 690 is replaced by threonine, an amino acid with similar properties. This amino acid position is conserved. In addition, this alteration is predicted to be deleterious by in silico analysis. Based on the available evidence, the clinical significance of this variant remains unclear.

Labcorp Genetics (formerly Invitae), Labcorp
Classification: Uncertain significance for Gastrointestinal stromal tumor. Last evaluated: 2023-01-20. Review status: criteria provided, single submitter. Criteria: Invitae Variant Classification Sherloc (09022015). Collection method: clinical testing. Allele origin: germline.
Comment: This sequence change replaces arginine, which is basic and polar, with threonine, which is neutral and polar, at codon 690 of the PDGFRA protein (p.Arg690Thr). This variant is not present in population databases (gnomAD no frequency). This variant has not been reported in the literature in individuals affected with PDGFRA-related conditions. Algorithms developed to predict the effect of missense changes on protein structure and function (SIFT, PolyPhen-2, Align-GVGD) all suggest that this variant is likely to be disruptive. In summary, the available evidence is currently insufficient to determine the role of this variant in disease. Therefore, it has been classified as a Variant of Uncertain Significance.

NM_006206.6(PDGFRA):c.2069G>C (p.Arg690Thr)

Gene: PDGFRA (platelet derived growth factor receptor alpha; plus strand). Cytogenetic location: 4q12.
Variant type: single nucleotide variant.
Coding change: c.2069G>C on transcript NM_006206.6 (MANE Select); coding-DNA position 2069, G replaced by C.
Protein change: p.Arg690Thr; replaces arginine 690 with threonine.
Molecular consequence: missense variant.
Genome position (GRCh38, 1-based): chr4:54,278,428, G>C. VCF-style: chr4-54278428-G-C. GRCh37 (hg19) VCF-style: chr4-55144595-G-C.
Other names: c.2069G>C, p.Arg690Thr (NM_001347827.2, NM_001347829.2); c.2144G>C, p.Arg715Thr (NM_001347828.2); c.2108G>C, p.Arg703Thr (NM_001347830.2); short protein forms R703T, R690T, R715T.
Identifiers: ClinVar variation 2830543 (VCV002830543.4), dbSNP rs1344375373, ClinGen allele CA356893973.